The following is an entry in ClinVar:

ClinVar aggregate classification (germline): Uncertain significance (1 of 4 stars; one submission).

Conditions:
Multiple sulfatase deficiency (MSD). Also called: Mucosulfatidosis; Multiple Sulfatase Deficiency Disease; Sulfatidosis, Juvenile, Austin Type. Identifiers: Orphanet 585, MedGen C0268263, MONDO:0010088, OMIM 272200.

Allele frequency attached by ClinVar (database versions not stated): gnomAD exomes 0.00001; ExAC 0.00004; gnomAD 0.00010; TOPMed 0.00012; ESP Exome Variant Server 0.00031.
gnomAD v4.1: 39 of 1,613,810 alleles (0.0024%); highest among the groups gnomAD compares: African/African-American, 0.035%; no homozygotes.

Submission:

Labcorp Genetics (formerly Invitae), Labcorp
Classification: Uncertain significance for Multiple sulfatase deficiency. Last evaluated: 2022-08-23. Review status: criteria provided, single submitter. Criteria: Invitae Variant Classification Sherloc (09022015). Collection method: clinical testing. Allele origin: germline.
Comment: This sequence change affects codon 263 of the SUMF1 mRNA. It is a 'silent' change, meaning that it does not change the encoded amino acid sequence of the SUMF1 protein. This variant is present in population databases (rs373665011, gnomAD 0.05%). This variant has not been reported in the literature in individuals affected with SUMF1-related conditions. Algorithms developed to predict the effect of sequence changes on RNA splicing suggest that this variant may disrupt the consensus splice site. In summary, the available evidence is currently insufficient to determine the role of this variant in disease. Therefore, it has been classified as a Variant of Uncertain Significance.

NM_182760.4(SUMF1):c.789C>T (p.Gly263=)

Gene: SUMF1 (sulfatase modifying factor 1; minus strand). Cytogenetic location: 3p26.1.
Variant type: single nucleotide variant.
Coding change: c.789C>T on transcript NM_182760.4 (MANE Select); coding-DNA position 789, C replaced by T.
Protein change: p.Gly263=; no amino-acid change (glycine 263 retained).
Molecular consequence: synonymous variant.
Genome position (GRCh38, 1-based): chr3:4,417,179, G>A on the plus strand (C>T on the coding strand, the complement: SUMF1 is on the minus strand). VCF-style: chr3-4417179-G-A. GRCh37 (hg19) VCF-style: chr3-4458863-G-A.
Other names: c.714C>T, p.Gly238= (NM_001164674.2); c.789C>T, p.Gly263= (NM_001164675.2).
Identifiers: ClinVar variation 2064204 (VCV002064204.1), dbSNP rs373665011, ClinGen allele CA2230460.
Genomic context (GRCh38, chr3:4,417,179, plus strand): 5'-ATTACTCACAGGCGCAGTTCCTTGGAAGCCATCCTCACCAGTGTTGGTCACCGGAAACTC[G>A]CCCTGCCAAATGTTGGCATAATGCTGGCCTTTGGGCTGCAGTTTGTTGCCCCAGGGGAAA-3'
Protein context (NP_877437.2, residues 253-273): KGQHYANIWQ[Gly263=]EFPVTNTGED